The following is an entry in ClinVar:

ClinVar aggregate classification (germline): Uncertain significance (1 of 4 stars; one submission).

Conditions:
TRPC5-related disorder. Also called: TRPC5-related condition.

Submission:

PreventionGenetics, part of Exact Sciences
Classification: Uncertain significance for TRPC5-related condition. Last evaluated: 2025-02-05. Review status: criteria provided, single submitter. Criteria: ACMG Guidelines, 2015. Collection method: clinical testing. Allele origin: germline.
Comment: The TRPC5 c.2915G>A variant is predicted to result in the amino acid substitution p.Arg972His. To our knowledge, this variant has not been reported in the literature. This variant is reported in 0.0047% of alleles in individuals of Latino descent in gnomAD. At this time, the clinical significance of this variant is uncertain due to the absence of conclusive functional and genetic evidence.

NM_012471.3(TRPC5):c.2915G>A (p.Arg972His)

Gene: TRPC5 (transient receptor potential cation channel subfamily C member 5; minus strand). Cytogenetic location: Xq23.
Variant type: single nucleotide variant.
Coding change: c.2915G>A on transcript NM_012471.3 (MANE Select); coding-DNA position 2915, G replaced by A.
Protein change: p.Arg972His; replaces arginine 972 with histidine.
Molecular consequence: missense variant.
Genome position (GRCh38, 1-based): chrX:111,776,320, C>T on the plus strand (G>A on the coding strand, the complement: TRPC5 is on the minus strand). VCF-style: chrX-111776320-C-T. GRCh37 (hg19) VCF-style: chrX-111019548-C-T.
Other names: short protein forms R972H.
Identifiers: ClinVar variation 4988888 (VCV004988888.1).